The following is an entry in ClinVar:

NM_182919.4(TICAM1):c.1847G>A (p.Gly616Glu)

Gene: TICAM1 (TIR domain containing adaptor molecule 1; minus strand). Cytogenetic location: 19p13.3.
Variant type: single nucleotide variant.
Coding change: c.1847G>A on transcript NM_182919.4 (MANE Select); coding-DNA position 1847, G replaced by A.
Protein change: p.Gly616Glu; replaces glycine 616 with glutamic acid.
Molecular consequence: missense variant.
Genome position (GRCh38, 1-based): chr19:4,816,531, C>T on the plus strand (G>A on the coding strand, the complement: TICAM1 is on the minus strand). VCF-style: chr19-4816531-C-T. GRCh37 (hg19) VCF-style: chr19-4816543-C-T.
Other names: c.1805G>A, p.Gly602Glu (NM_001385678.1); c.1712G>A, p.Gly571Glu (NM_001385679.1); c.1205G>A, p.Gly402Glu (NM_001385680.1); short protein forms G402E, G571E, G602E, G616E.
Identifiers: ClinVar variation 3642193 (VCV003642193.2).
Genomic context (GRCh38, chr19:4,816,531, plus strand): 5'-CATGCGTGCAGGGGTGGCGGCTGCGGGCACCCCGGCCAAGTGGGAAAGGGTGGCGGGGCT[C>T]CCAGGGGCACCTGGCCCCCAAAGGGCATTCGAGCCCCATAGGGCGCCCCAGTCCCAAATG-3'
Protein context (NP_891549.1, residues 606-626): RMPFGGQVPL[Gly616Glu]APPPFPTWPG

ClinVar aggregate classification (germline): Uncertain significance (1 of 4 stars; one submission).

Conditions:
Encephalopathy, acute, infection-induced (herpes-specific), susceptibility to, 6. Also called: Herpes simplex encephalitis, susceptibility to, 4. Identifiers: Orphanet 1930, MedGen C3553869, MONDO:0013921, OMIM 614850.

Submission:

Labcorp Genetics (formerly Invitae), Labcorp
Classification: Uncertain significance for Encephalopathy, acute, infection-induced (herpes-specific), susceptibility to, 6. Last evaluated: 2024-02-20. Review status: criteria provided, single submitter. Criteria: Invitae Variant Classification Sherloc (09022015). Collection method: clinical testing. Allele origin: germline.
Comment: This sequence change replaces glycine, which is neutral and non-polar, with glutamic acid, which is acidic and polar, at codon 616 of the TICAM1 protein (p.Gly616Glu). This variant is not present in population databases (gnomAD no frequency). This variant has not been reported in the literature in individuals affected with TICAM1-related conditions. An algorithm developed to predict the effect of missense changes on protein structure and function (PolyPhen-2) suggests that this variant is likely to be disruptive. In summary, the available evidence is currently insufficient to determine the role of this variant in disease. Therefore, it has been classified as a Variant of Uncertain Significance.